The following is an entry in ClinVar:

NM_172107.4(KCNQ2):c.1255A>G (p.Ser419Gly)

Gene: KCNQ2 (potassium voltage-gated channel subfamily Q member 2; minus strand). Cytogenetic location: 20q13.33.
Variant type: single nucleotide variant.
Coding change: c.1255A>G on transcript NM_172107.4 (MANE Select); coding-DNA position 1255, A replaced by G.
Protein change: p.Ser419Gly; replaces serine 419 with glycine.
Molecular consequence: missense variant. On other transcripts: intron variant (4).
Genome position (GRCh38, 1-based): chr20:63,419,665, T>C on the plus strand (A>G on the coding strand, the complement: KCNQ2 is on the minus strand). VCF-style: chr20-63419665-T-C. GRCh37 (hg19) VCF-style: chr20-62051018-T-C.
Other names: c.1217+4512A>G (NM_004518.6); c.1247+4512A>G (NM_172108.5, NM_172106.3, NM_001382235.1); short protein forms S419G.
Identifiers: ClinVar variation 4056022 (VCV004056022.1).
Genomic context (GRCh38, chr20:63,419,665, plus strand): 5'-GTGTTCCGCGGTACCTAGAGCGTCCGGGGCAGCATCCACACAGGGGCCCTCTGCACGGGC[T>C]GCCTTTACTGGAAATGAGGAGAGCACAGTTAGTCCTGGGCGCCGGCAACAGCACACGGCC-3'
Protein context (NP_742105.1, residues 409-429): PPPEPSPSKG[Ser419Gly]PCRGPLCGCC

ClinVar aggregate classification (germline): Uncertain significance (1 of 4 stars; one submission).

Submission:

GeneDx
Classification: Uncertain significance. Last evaluated: 2025-01-06. Review status: criteria provided, single submitter. Criteria: GeneDx Variant Classification Process June 2021. Collection method: clinical testing. Allele origin: germline. Affected: yes.
Comment: Not observed at significant frequency in large population cohorts (gnomAD); In silico analysis indicates that this missense variant does not alter protein structure/function; Has not been previously published as pathogenic or benign to our knowledge; This substitution is predicted to be within the C-terminal cytoplasmic domain